The following is an entry in ClinVar:

ClinVar aggregate classification (germline): Pathogenic/Likely pathogenic. Review status: criteria provided, multiple submitters, no conflicts (2 of 4 stars). 5 submissions from 5 submitters: Pathogenic (2); Likely pathogenic (2). 1 of the submissions does not count toward it. Last evaluated 2025-08-14.

Conditions:
Methylmalonic aciduria, cblB type (MACB). Also called: Vitamin B12-responsive methylmalonic acidemia type cblB; METHYLMALONIC ACIDURIA, VITAMIN B12-RESPONSIVE, DUE TO DEFECT IN SYNTHESIS OF ADENOSYLCOBALAMIN, cblB TYPE; Methylmalonic acidemia cblB type. Identifiers: Orphanet 28, Orphanet 79311, MedGen C1855102, MONDO:0009614, OMIM 251110.

Submissions (5):

Natera, Inc.
Classification: Likely pathogenic for Methylmalonic aciduria cblB type. Last evaluated: 2025-08-14. Review status: criteria provided, single submitter. Criteria: Natera Variant Classification Schema (03/2026). Collection method: clinical testing. Allele origin: germline.
Comment: The c.290G>A variant in MMAB is a missense variant predicted to cause substitution of glycine to glutamic acid at amino acid 97. This variant is rare in the general population with a frequency below the threshold expected for the associated phenotype(s). This variant has been observed in one or more individuals affected with the associated recessive disease, as either homozygous or compound heterozygous with a second variant (PMID: 16410054). Functional studies show that this variant may disrupt protein function (PMID: 20556797, 20549364). Computational prediction algorithms indicate this variant is likely to affect gene or protein function. Given the available evidence, this variant is classified as Likely Pathogenic.

Myriad Genetics, Inc.
Classification: Pathogenic for Methylmalonic aciduria, cblB type. Last evaluated: 2025-02-27. Review status: criteria provided, single submitter. Criteria: Myriad Autosomal Dominant, Autosomal Recessive and X-Linked Classification Criteria (2023). Collection method: clinical testing. Allele origin: unknown.
Comment: NM_052845.3(MMAB):c.290G>A(G97E) is a missense variant classified as pathogenic in the context of methylmalonic acidemia, cblB type. G97E has been observed in cases with relevant disease (PMID: 20549364, 16410054). Relevant functional assessments of this variant are available in the literature (PMID: 20556797, 20549364). G97E has not been observed in referenced population frequency databases. In summary, NM_052845.3(MMAB):c.290G>A(G97E) is a missense variant that has functional support for pathogenicity and has been observed more frequently in cases with the relevant disease than in healthy populations. Please note: this variant was assessed in the context of healthy population screening.

Baylor Genetics
Classification: Likely pathogenic for Methylmalonic aciduria, cblB type. Last evaluated: 2024-02-11. Review status: criteria provided, single submitter. Criteria: ACMG Guidelines, 2015. Collection method: clinical testing. Allele origin: unknown.

Labcorp Genetics (formerly Invitae), Labcorp
Classification: Pathogenic for Methylmalonic aciduria, cblB type. Last evaluated: 2023-10-13. Review status: criteria provided, single submitter. Criteria: Invitae Variant Classification Sherloc (09022015). Collection method: clinical testing. Allele origin: germline.
Comment: This sequence change replaces glycine, which is neutral and non-polar, with glutamic acid, which is acidic and polar, at codon 97 of the MMAB protein (p.Gly97Glu). This variant also falls at the last nucleotide of exon 3, which is part of the consensus splice site for this exon. This variant is not present in population databases (gnomAD no frequency). This missense change has been observed in individual(s) with cobalamin B methylmalonic aciduria (PMID: 16410054, 20556797; Invitae). In at least one individual the data is consistent with being in trans (on the opposite chromosome) from a pathogenic variant. ClinVar contains an entry for this variant (Variation ID: 218326). An algorithm developed to predict the effect of missense changes on protein structure and function (PolyPhen-2) suggests that this variant is likely to be disruptive. Variants that disrupt the consensus splice site are a relatively common cause of aberrant splicing (PMID: 17576681, 9536098). Studies have shown that this missense change alters mRNA splicing and is expected to lead to the loss of protein expression (PMID: 20556797). For these reasons, this variant has been classified as Pathogenic.

OMIM
Classification: Pathogenic for METHYLMALONIC ACIDURIA, cblB TYPE. Last evaluated: 2010-09-01. Review status: no assertion criteria provided. Collection method: literature only. Allele origin: germline. Not counted in ClinVar's aggregate classification.

Literature cited by the submitters: PubMed 16410054 (cited by 3 submitters); PubMed 20556797 (cited by 4 submitters); PubMed 20549364 (cited by Natera, Inc. and Myriad Genetics, Inc.); PubMed 17576681 (cited by Labcorp Genetics (formerly Invitae), Labcorp); PubMed 9536098 (cited by Labcorp Genetics (formerly Invitae), Labcorp).

NM_052845.4(MMAB):c.290G>A (p.Gly97Glu)

Gene: MMAB (metabolism of cobalamin associated B; minus strand). Cytogenetic location: 12q24.11.
Variant type: single nucleotide variant.
Coding change: c.290G>A on transcript NM_052845.4 (MANE Select); coding-DNA position 290, G replaced by A.
Protein change: p.Gly97Glu; replaces glycine 97 with glutamic acid.
Molecular consequence: missense variant. On other transcripts: non-coding transcript variant (1).
Genome position (GRCh38, 1-based): chr12:109,568,770, C>T on the plus strand (G>A on the coding strand, the complement: MMAB is on the minus strand). VCF-style: chr12-109568770-C-T. GRCh37 (hg19) VCF-style: chr12-110006575-C-T.
Other names: 290G-A; short protein forms G97E.
Identifiers: ClinVar variation 218326 (VCV000218326.9), dbSNP rs864309511, ClinGen allele CA278561.